The following is an entry in ClinVar:

ClinVar aggregate classification (germline): Likely pathogenic (1 of 4 stars; one submission).

Conditions:
Intellectual developmental disorder with speech delay, dysmorphic facies, and t-cell abnormalities. Also called: BCL11B-related BAFopathy. Identifiers: Orphanet 662829, MedGen C4748152, MONDO:0060763, OMIM 618092.

Submission:

Department of biochemistry and genetics, Arak University of Medical sciences
Classification: Likely pathogenic for Intellectual developmental disorder with speech delay, dysmorphic facies, and t-cell abnormalities. Review status: criteria provided, single submitter. Criteria: ACMG Guidelines, 2015. Collection method: clinical testing. Allele origin: germline. Inheritance: Autosomal dominant inheritance. Affected: yes. Observed: 1 variant allele, 1 heterozygote.
Comment: Comment: The NM_022898.3:c.1984C>T variant is a nonsense variant in BCL11B which is predicted to result in a premature stop codon at position 662, p.(Arg662Ter), and is therefore expected to result in a truncated or disrupted BCL11B protein product (PVS1). The variant is located in exon 4, the last coding exon of BCL11B. BCL11B-related disorders are caused predominantly by heterozygous loss-of-function variants, and haploinsufficiency has been proposed as an important disease mechanism. The majority of reported truncating variants are located in exon 4 and are predicted to escape nonsense-mediated decay, resulting in truncated BCL11B proteins with loss of C-terminal DNA-binding zinc-finger domains. Heterozygous loss-of-function variants in BCL11B have been associated with a broad neurodevelopmental and immunological phenotype, including developmental delay, intellectual disability, speech impairment, behavioral abnormalities, impaired T-cell development, recurrent infections, allergy/atopy, and variable craniofacial and skeletal abnormalities. Multiple individuals carrying truncating BCL11B variants have been reported with these phenotypes, supporting loss of BCL11B function as a disease mechanism. The NM_022898.3:c.1984C>T variant has been registered in the ClinGen Allele Registry as CA390933750 and is predicted to result in p.(Arg662Ter). The same genomic variant is represented by different HGVS descriptions on alternative BCL11B transcripts, including c.2197C>T (p.Arg733Ter) and c.1615C>T (p.Arg539Ter), further supporting the importance of specifying the transcript used for variant interpretation. Importantly, the variant is present in gnomAD v4, and therefore the PM2/PM2_Sup criterion should not be applied based on absence from population databases. No sufficiently detailed published case-level evidence, de novo confirmation, or segregation data specific to NM_022898.3:c.1984C>T were identified in the available public literature. Therefore, PS4, PS2/PM6, and PP1 should not be assigned without additional patient-specific or internal laboratory data. In summary, NM_022898.3:c.1984C>T (p.Arg662Ter) is a protein-truncating variant in the last coding exon of BCL11B. Given the established loss-of-function/haploinsufficiency mechanism of BCL11B-related disease and the predicted truncation of the BCL11B protein, this variant meets the ACMG/AMP criterion PVS1. However, based on the currently available public evidence, additional case-level, segregation, functional, or well-established clinical evidence would be required to support a definitive pathogenic classification.

NM_138576.4(BCL11B):c.2197C>T (p.Arg733Ter)

Gene: BCL11B (BCL11 transcription factor B; minus strand). Cytogenetic location: 14q32.2.
Variant type: single nucleotide variant.
Coding change: c.2197C>T on transcript NM_138576.4 (MANE Select); coding-DNA position 2197, C replaced by T.
Protein change: p.Arg733Ter; replaces arginine 733 with a stop codon.
Molecular consequence: nonsense.
Genome position (GRCh38, 1-based): chr14:99,174,639, G>A on the plus strand (C>T on the coding strand, the complement: BCL11B is on the minus strand). VCF-style: chr14-99174639-G-A. GRCh37 (hg19) VCF-style: chr14-99640976-G-A.
Other names: p.Arg662*; c.2194C>T, p.Arg732Ter (NM_001282237.2); c.1981C>T, p.Arg661Ter (NM_001282238.2); c.1984C>T, p.Arg662Ter (NM_022898.3); short protein forms R661*, R662*, R732*, R733*.
Identifiers: ClinVar variation 4886973 (VCV004886973.1).